The following is an entry in ClinVar:

NM_000465.4(BARD1):c.598_599delinsTT (p.Ala200Leu)

Gene: BARD1 (BRCA1 associated RING domain 1; minus strand). Cytogenetic location: 2q35.
Variant type: Indel.
Coding change: c.598_599delinsTT on transcript NM_000465.4 (MANE Select); coding-DNA positions 598 to 599, GC replaced by TT.
Protein change: p.Ala200Leu; replaces alanine 200 with leucine.
Molecular consequence: missense variant. On other transcripts: non-coding transcript variant (2), intron variant (3).
Genome position (GRCh38, 1-based): chr2:214,781,275-214,781,276, GC replaced by AA on the plus strand (GC replaced by TT on the coding strand, the reverse complement: BARD1 is on the minus strand). VCF-style: chr2-214781275-GC-AA. GRCh37 (hg19) VCF-style: chr2-215645999-GC-AA.
Other names: c.541_542delinsTT, p.Ala181Leu (NM_001282543.2); c.158+28136_158+28137delinsTT (NM_001282548.2); c.215+15785_215+15786delinsTT (NM_001282545.2); c.364+11021_364+11022delinsTT (NM_001282549.2); short protein forms A181L, A200L.
Identifiers: ClinVar variation 418909 (VCV000418909.1), dbSNP rs1064793517, ClinGen allele CA16617451.

ClinVar aggregate classification (germline): Uncertain significance (1 of 4 stars; one submission).

Submission:

GeneDx
Classification: Uncertain significance. Last evaluated: 2015-04-16. Review status: criteria provided, single submitter. Criteria: GeneDx Variant Classification (06012015). Collection method: clinical testing. Allele origin: germline. Affected: yes.
Comment: This variant is denoted BARD1 c.598_599delGCinsTT at the cDNA level, p.Ala200Leu (A200L) at the protein level. The normal sequence, with the bases that are deleted in braces and inserted in brackets, is TTCT[GC][TT]AAGA. This in frame deletion and insertion occurs on the same allele (in cis) and results in the missense change of an Alanine to a Leucine (GCA>TTA). This variant has not, to our knowledge, been published in the literature as pathogenic or benign. Neither BARD1 c.598_599delGCinsTT nor BARD1 Ala200Leu was observed in approximately 6,500 individuals of European and African American ancestry in the NHLBI Exome Sequencing Project, indicating it is not a common benign variant in these populations. Since Alanine and Leucine differ in some properties, this is considered a semi-conservative amino acid substitution. BARD1 Ala200Leu occurs at a position that is not conserved and is not located in a known functional domain. In silico analyses predict that this variant is unlikely to alter protein structure or function. Based on currently available information, we consider BARD1 Ala200Leu to be a variant of uncertain significance.